The following is an entry in ClinVar:

ClinVar aggregate classification (germline): Uncertain significance (1 of 4 stars; one submission).

Allele frequency attached by ClinVar (database versions not stated): TOPMed 0.00002.
gnomAD v4.1: 18 of 1,614,054 alleles (0.0011%); highest among the groups gnomAD compares: African/African-American, 0.0027%; no homozygotes.

Submission:

Labcorp Genetics (formerly Invitae), Labcorp
Classification: Uncertain significance. Last evaluated: 2022-08-16. Review status: criteria provided, single submitter. Criteria: Invitae Variant Classification Sherloc (09022015). Collection method: clinical testing. Allele origin: germline.
Comment: This sequence change replaces valine, which is neutral and non-polar, with methionine, which is neutral and non-polar, at codon 269 of the ATF6 protein (p.Val269Met). This variant is present in population databases (no rsID available, gnomAD 0.003%). This variant has not been reported in the literature in individuals affected with ATF6-related conditions. ClinVar contains an entry for this variant (Variation ID: 1042592). Algorithms developed to predict the effect of missense changes on protein structure and function output the following: SIFT: "Tolerated"; PolyPhen-2: "Benign"; Align-GVGD: "Class C0". The methionine amino acid residue is found in multiple mammalian species, which suggests that this missense change does not adversely affect protein function. In summary, the available evidence is currently insufficient to determine the role of this variant in disease. Therefore, it has been classified as a Variant of Uncertain Significance.

NM_007348.4(ATF6):c.805G>A (p.Val269Met)

Gene: ATF6 (activating transcription factor 6; plus strand). Cytogenetic location: 1q23.3.
Variant type: single nucleotide variant.
Coding change: c.805G>A on transcript NM_007348.4 (MANE Select); coding-DNA position 805, G replaced by A.
Protein change: p.Val269Met; replaces valine 269 with methionine.
Molecular consequence: missense variant.
Genome position (GRCh38, 1-based): chr1:161,802,168, G>A. VCF-style: chr1-161802168-G-A. GRCh37 (hg19) VCF-style: chr1-161771958-G-A.
Other names: short protein forms V269M.
Identifiers: ClinVar variation 1042592 (VCV001042592.2), dbSNP rs1010112292, ClinGen allele CA31741248.